The following is an entry in ClinVar:

NM_003072.5(SMARCA4):c.4352T>C (p.Leu1451Pro)

Gene: SMARCA4 (SWI/SNF related BAF chromatin remodeling complex subunit ATPase 4; plus strand). Cytogenetic location: 19p13.2.
Variant type: single nucleotide variant.
Coding change: c.4352T>C on transcript NM_003072.5 (MANE Select); coding-DNA position 4352, T replaced by C.
Protein change: p.Leu1451Pro; replaces leucine 1451 with proline.
Molecular consequence: missense variant. On other transcripts: non-coding transcript variant (1).
Genome position (GRCh38, 1-based): chr19:11,041,488, T>C. VCF-style: chr19-11041488-T-C. GRCh37 (hg19) VCF-style: chr19-11152164-T-C.
Other names: c.4352T>C, p.Leu1451Pro (NM_001128844.3); c.4262T>C, p.Leu1421Pro (NM_001128845.2, NM_001128846.2); c.4253T>C, p.Leu1418Pro (NM_001128847.4, NM_001128848.2, NM_001374457.1); c.4448T>C, p.Leu1483Pro (NM_001128849.3); short protein forms L1418P, L1483P, L1421P, L1451P.
Identifiers: ClinVar variation 952690 (VCV000952690.10), dbSNP rs2075610848, ClinGen allele CA404073962.

ClinVar aggregate classification (germline): Uncertain significance. Review status: criteria provided, multiple submitters, no conflicts (2 of 4 stars). 2 submissions from 2 submitters: Uncertain significance (2). Last evaluated 2026-02-23.

Conditions:
Rhabdoid tumor predisposition syndrome 2 (RTPS2). Identifiers: Orphanet 231108, Orphanet 69077, MedGen C2750074, MONDO:0013224, OMIM 613325.
Hereditary cancer-predisposing syndrome. Also called: Tumor predisposition; Hereditary neoplastic syndrome; Hereditary Cancer Syndrome; Neoplastic Syndromes, Hereditary. Identifiers: Orphanet 140162, MedGen C0027672, MeSH D009386, MONDO:0015356.

Submissions (2):

Ambry Genetics
Classification: Uncertain significance for Hereditary cancer-predisposing syndrome. Last evaluated: 2026-02-23. Review status: criteria provided, single submitter. Criteria: Ambry Variant Classification Scheme 2023. Collection method: clinical testing. Allele origin: germline.
Comment: The p.L1483P variant (also known as c.4448T>C), located in coding exon 30 of the SMARCA4 gene, results from a T to C substitution at nucleotide position 4448. The leucine at codon 1483 is replaced by proline, an amino acid with similar properties. This amino acid position is conserved. In addition, this alteration is predicted to be tolerated by in silico analysis. Based on the available evidence, the clinical significance of this variant remains unclear.

Labcorp Genetics (formerly Invitae), Labcorp
Classification: Uncertain significance for Rhabdoid tumor predisposition syndrome 2. Last evaluated: 2019-05-15. Review status: criteria provided, single submitter. Criteria: Invitae Variant Classification Sherloc (09022015). Collection method: clinical testing. Allele origin: germline.
Comment: In summary, the available evidence is currently insufficient to determine the role of this variant in disease. Therefore, it has been classified as a Variant of Uncertain Significance. Algorithms developed to predict the effect of missense changes on protein structure and function (SIFT, PolyPhen-2, Align-GVGD) all suggest that this variant is likely to be disruptive, but these predictions have not been confirmed by published functional studies and their clinical significance is uncertain. This variant has not been reported in the literature in individuals with SMARCA4-related conditions. This variant is not present in population databases (ExAC no frequency). This sequence change replaces leucine with proline at codon 1483 of the SMARCA4 protein (p.Leu1483Pro). The leucine residue is highly conserved and there is a moderate physicochemical difference between leucine and proline.